The following is an entry in ClinVar:

NM_000264.5(PTCH1):c.1375C>T (p.Arg459Cys)

Gene: PTCH1 (patched 1; minus strand). Cytogenetic location: 9q22.32.
Variant type: single nucleotide variant.
Coding change: c.1375C>T on transcript NM_000264.5 (MANE Select); coding-DNA position 1375, C replaced by T.
Protein change: p.Arg459Cys; replaces arginine 459 with cysteine.
Molecular consequence: missense variant. On other transcripts: non-coding transcript variant (1), intron variant (1).
Genome position (GRCh38, 1-based): chr9:95,477,675, G>A on the plus strand (C>T on the coding strand, the complement: PTCH1 is on the minus strand). VCF-style: chr9-95477675-G-A. GRCh37 (hg19) VCF-style: chr9-98239957-G-A.
Other names: c.1177C>T, p.Arg393Cys (NM_001083602.3); c.1372C>T, p.Arg458Cys (NM_001083603.3); c.922C>T, p.Arg308Cys (NM_001083604.3, NM_001083605.3, NM_001083606.3 and 1 more transcripts); c.1347+380C>T (NM_001354918.2); short protein forms R308C, R393C, R458C, R459C.
Identifiers: ClinVar variation 1712839 (VCV001712839.9), dbSNP rs779885444, ClinGen allele CA5138665.

ClinVar aggregate classification (germline): Conflicting classifications of pathogenicity. Review status: criteria provided, conflicting classifications (1 of 4 stars). 3 submissions from 3 submitters: Uncertain significance (2); Likely benign (1). Last evaluated 2025-10-17.

Conditions:
Gorlin syndrome. Also called: Nevoid Basal Cell Carcinoma Syndrome; Basal cell nevus syndrome. Identifiers: Orphanet 377, MedGen C0004779, MONDO:0007187.
Hereditary cancer-predisposing syndrome. Also called: Hereditary neoplastic syndrome; Tumor predisposition; Neoplastic Syndromes, Hereditary; Hereditary Cancer Syndrome. Identifiers: Orphanet 140162, MedGen C0027672, MeSH D009386, MONDO:0015356.

Allele frequency attached by ClinVar (database versions not stated): gnomAD exomes below 0.00001; ExAC 0.00002.

Submissions (3):

Labcorp Genetics (formerly Invitae), Labcorp
Classification: Likely benign for Gorlin syndrome. Last evaluated: 2025-10-17. Review status: criteria provided, single submitter. Criteria: Invitae Variant Classification Sherloc (09022015). Collection method: clinical testing. Allele origin: germline.

Ambry Genetics
Classification: Uncertain significance for Hereditary cancer-predisposing syndrome. Last evaluated: 2024-01-19. Review status: criteria provided, single submitter. Criteria: Ambry Variant Classification Scheme 2023. Collection method: clinical testing. Allele origin: germline.
Comment: The p.R459C variant (also known as c.1375C>T), located in coding exon 10 of the PTCH1 gene, results from a C to T substitution at nucleotide position 1375. The arginine at codon 459 is replaced by cysteine, an amino acid with highly dissimilar properties. This amino acid position is highly conserved in available vertebrate species. In addition, this alteration is predicted to be deleterious by in silico analysis. Since supporting evidence is limited at this time, the clinical significance of this alteration remains unclear.

GeneDx
Classification: Uncertain significance. Last evaluated: 2022-10-20. Review status: criteria provided, single submitter. Criteria: GeneDx Variant Classification Process June 2021. Collection method: clinical testing. Allele origin: germline. Affected: yes.
Comment: Not observed at significant frequency in large population cohorts (gnomAD); In silico analysis supports that this missense variant has a deleterious effect on protein structure/function; Has not been previously published as pathogenic or benign to our knowledge; This variant is associated with the following publications: (PMID: 11369205)